The following is an entry in ClinVar:

ClinVar aggregate classification (germline): Uncertain significance (1 of 4 stars; one submission).

Conditions:
FGFR3-related chondrodysplasia. Identifiers: Orphanet 93420, MedGen C5681604, MONDO:0019685.

Submission:

Genomenon, Inc
Classification: Uncertain significance for FGFR3-related chondrodysplasia. Last evaluated: 2026-06-23. Review status: criteria provided, single submitter. Criteria: Genomenon Sequence Variant Interpretation Standards - Updated. Collection method: curation. Allele origin: germline. Affected: no.
Comment: FGFR3 p.Cys582Phe (c.1745G>T) is a missense variant that changes the amino acid at codon 582 from Cysteine to Phenylalanine. To our knowledge, this variant has not been reported in patients affected with an FGFR3-related disorder in the published literature. Functional studies have been reported (PMID:26992226). It is absent or not present at a significant frequency in gnomAD. In conclusion, we classify FGFR3 p.Cys582Phe (c.1745G>T) as a variant of uncertain significance.

Literature cited by the submitters: PubMed 26992226.

NM_000142.5(FGFR3):c.1745G>T (p.Cys582Phe)

Gene: FGFR3 (fibroblast growth factor receptor 3; plus strand). Cytogenetic location: 4p16.3.
Variant type: single nucleotide variant.
Coding change: c.1745G>T on transcript NM_000142.5 (MANE Select); coding-DNA position 1745, G replaced by T.
Protein change: p.Cys582Phe; replaces cysteine 582 with phenylalanine.
Molecular consequence: missense variant. On other transcripts: non-coding transcript variant (1).
Genome position (GRCh38, 1-based): chr4:1,805,849, G>T. VCF-style: chr4-1805849-G-T. GRCh37 (hg19) VCF-style: chr4-1807576-G-T.
Other names: c.1751G>T, p.Cys584Phe (NM_001163213.2); c.1748G>T, p.Cys583Phe (NM_001354809.2, NM_001354810.2); c.1409G>T, p.Cys470Phe (NM_022965.4); short protein forms C470F, C582F, C583F, C584F.
Identifiers: ClinVar variation 4857811 (VCV004857811.1).
Genomic context (GRCh38, chr4:1,805,849, plus strand): 5'-ACCTGCGGGAGTTTCTGCGGGCGCGGCGGCCCCCGGGCCTGGACTACTCCTTCGACACCT[G>T]CAAGCCGCCCGAGGAGCAGCTCACCTTCAAGGACCTGGTGTCCTGTGCCTACCAGGTGGC-3'
Protein context (NP_000133.1, residues 572-592): PPGLDYSFDT[Cys582Phe]KPPEEQLTFK